The following is an entry in ClinVar:

NM_024675.4(PALB2):c.1152del (p.Ala385fs)

Gene: PALB2 (partner and localizer of BRCA2; minus strand). Cytogenetic location: 16p12.2.
Variant type: Deletion.
Coding change: c.1152del on transcript NM_024675.4 (MANE Select); coding-DNA position 1152, one base deleted (A; older notation c.1152delA).
Protein change: p.Ala385fs; shifts the reading frame from alanine 385.
Molecular consequence: frameshift variant.
Genome position (GRCh38, 1-based): chr16:23,635,394, T deleted on the plus strand (A on the coding strand, the reverse complement: PALB2 is on the minus strand); the first of 2 consecutive T bases (chr16:23,635,394-23,635,395); deleting either gives the same sequence. VCF-style (leftmost placement, unchanged base first): chr16-23635393-CT-C. GRCh37 (hg19) VCF-style: chr16-23646714-CT-C.
Other names: c.1152delA (NM_024675.3); short protein forms A385fs.
Identifiers: ClinVar variation 582246 (VCV000582246.11), dbSNP rs1567221493, ClinGen allele CA891844525.

ClinVar aggregate classification (germline): Pathogenic. Review status: criteria provided, multiple submitters, no conflicts (2 of 4 stars). 3 submissions from 3 submitters: Pathogenic (3). Last evaluated 2024-07-01.

Conditions:
Familial cancer of breast. Also called: Hereditary breast cancer; hereditary breast carcinoma; BREAST CANCER, FAMILIAL. Identifiers: Orphanet 227535, MedGen C0346153, MONDO:0016419, OMIM 114480. Disease mechanism: loss of function.
Hereditary cancer-predisposing syndrome. Also called: Neoplastic Syndromes, Hereditary; Hereditary Cancer Syndrome; Tumor predisposition; Hereditary neoplastic syndrome. Identifiers: Orphanet 140162, MedGen C0027672, MeSH D009386, MONDO:0015356.

Submissions (3):

Myriad Genetics, Inc.
Classification: Pathogenic for Familial cancer of breast. Last evaluated: 2024-07-01. Review status: criteria provided, single submitter. Criteria: Myriad Autosomal Dominant, Autosomal Recessive and X-Linked Classification Criteria (2023). Collection method: clinical testing. Allele origin: unknown.
Comment: This variant is considered pathogenic. This variant creates a frameshift predicted to result in premature protein truncation.

Ambry Genetics
Classification: Pathogenic for Hereditary cancer-predisposing syndrome. Last evaluated: 2018-10-18. Review status: criteria provided, single submitter. Criteria: Ambry Variant Classification Scheme 2023. Collection method: clinical testing. Allele origin: germline.
Comment: The c.1152delA pathogenic mutation, located in coding exon 4 of the PALB2 gene, results from a deletion of one nucleotide at nucleotide position 1152, causing a translational frameshift with a predicted alternate stop codon (p.A385Qfs*39). This alteration is expected to result in loss of function by premature protein truncation or nonsense-mediated mRNA decay. As such, this alteration is interpreted as a disease-causing mutation.

Labcorp Genetics (formerly Invitae), Labcorp
Classification: Pathogenic for Familial cancer of breast. Last evaluated: 2018-01-08. Review status: criteria provided, single submitter. Criteria: Invitae Variant Classification Sherloc (09022015). Collection method: clinical testing. Allele origin: germline.
Comment: For these reasons, this variant has been classified as Pathogenic. Loss-of-function variants in PALB2 are known to be pathogenic (PMID: 17200668, 24136930, 25099575). This variant has not been reported in the literature in individuals with PALB2-related disease. This variant is not present in population databases (ExAC no frequency). This sequence change creates a premature translational stop signal (p.Ala385Glnfs*39) in the PALB2 gene. It is expected to result in an absent or disrupted protein product.

Literature cited by the submitters: PubMed 17200668 (cited by Labcorp Genetics (formerly Invitae), Labcorp); PubMed 24136930 (cited by Labcorp Genetics (formerly Invitae), Labcorp); PubMed 25099575 (cited by Labcorp Genetics (formerly Invitae), Labcorp).